The following is an entry in ClinVar:

ClinVar aggregate classification (germline): Uncertain significance (1 of 4 stars; one submission).

Conditions:
MHC class I deficiency. Identifiers: Orphanet 34592, MedGen C6024714, MONDO:0011476.

Allele frequency attached by ClinVar (database versions not stated): gnomAD exomes 0.00001; TOPMed below 0.00001; ExAC 0.00002.
gnomAD v4.1: 5 of 1,596,576 alleles (0.00031%); highest among the groups gnomAD compares: Admixed American, 0.0053%; no homozygotes.

Submission:

Labcorp Genetics (formerly Invitae), Labcorp
Classification: Uncertain significance for MHC class I deficiency 1. Last evaluated: 2024-02-05. Review status: criteria provided, single submitter. Criteria: Invitae Variant Classification Sherloc (09022015). Collection method: clinical testing. Allele origin: germline.
Comment: This sequence change replaces alanine, which is neutral and non-polar, with threonine, which is neutral and polar, at codon 644 of the TAP2 protein (p.Ala644Thr). This variant is present in population databases (rs759776082, gnomAD 0.02%). This variant has not been reported in the literature in individuals affected with TAP2-related conditions. ClinVar contains an entry for this variant (Variation ID: 1463751). Experimental studies and prediction algorithms are not available or were not evaluated, and the functional significance of this variant is currently unknown. In summary, the available evidence is currently insufficient to determine the role of this variant in disease. Therefore, it has been classified as a Variant of Uncertain Significance.

NM_001290043.2(TAP2):c.1930G>A (p.Ala644Thr)

Gene: TAP2 (transporter 2, ATP binding cassette subfamily B member; minus strand). Cytogenetic location: 6p21.32.
Variant type: single nucleotide variant.
Coding change: c.1930G>A on transcript NM_001290043.2 (MANE Select); coding-DNA position 1930, G replaced by A.
Protein change: p.Ala644Thr; replaces alanine 644 with threonine.
Molecular consequence: missense variant.
Genome position (GRCh38, 1-based): chr6:32,829,402, C>T on the plus strand (G>A on the coding strand, the complement: TAP2 is on the minus strand). VCF-style: chr6-32829402-C-T. GRCh37 (hg19) VCF-style: chr6-32797179-C-T.
Other names: c.1930G>A, p.Ala644Thr (NM_000544.3, NM_018833.3); short protein forms A644T.
Identifiers: ClinVar variation 1463751 (VCV001463751.4), dbSNP rs759776082, ClinGen allele CA3745763.
Genomic context (GRCh38, chr6:32,829,402, plus strand): 5'-ATCCTCCCAGCATGCCCCTCCCAGGCCCCACTGTCCCCTGCCCTCTCACGGTACTCACGG[C>T]CTGCTCGCACTGCACATCTAGGGCACTAGTAGCCTCATCCAGGATGAGGACCCGCGGGTC-3'
Protein context (NP_001276972.1, residues 634-654): TSALDVQCEQ[Ala644Thr]LQDWNSRGDR